The following is an entry in ClinVar:

ClinVar aggregate classification (germline): Uncertain significance (1 of 4 stars; one submission).

Conditions:
Neuromuscular disease caused by qualitative or quantitative defects of dysferlin. Also called: Dysferlinopathy; Qualitative or quantitative defects of dysferlin. Identifiers: Orphanet 207073, MedGen C2931687, MONDO:0016145.

Allele frequency attached by ClinVar (database versions not stated): TOPMed below 0.00001.
gnomAD v4.1: 1 of 1,612,664 alleles (0.000062%); highest among the groups gnomAD compares: Non-Finnish European, 0.000085%; no homozygotes.

Submission:

Labcorp Genetics (formerly Invitae), Labcorp
Classification: Uncertain significance for Neuromuscular disease caused by qualitative or quantitative defects of dysferlin. Last evaluated: 2022-01-31. Review status: criteria provided, single submitter. Criteria: Invitae Variant Classification Sherloc (09022015). Collection method: clinical testing. Allele origin: germline.
Comment: This sequence change replaces glutamic acid, which is acidic and polar, with alanine, which is neutral and non-polar, at codon 495 of the DYSF protein (p.Glu495Ala). This variant is not present in population databases (gnomAD no frequency). This variant has not been reported in the literature in individuals affected with DYSF-related conditions. Advanced modeling of protein sequence and biophysical properties (such as structural, functional, and spatial information, amino acid conservation, physicochemical variation, residue mobility, and thermodynamic stability) performed at Invitae indicates that this missense variant is not expected to disrupt DYSF protein function. In summary, the available evidence is currently insufficient to determine the role of this variant in disease. Therefore, it has been classified as a Variant of Uncertain Significance.

NM_003494.4(DYSF):c.1484A>C (p.Glu495Ala)

Gene: DYSF (dysferlin; plus strand). Cytogenetic location: 2p13.2.
Variant type: single nucleotide variant.
Coding change: c.1484A>C on transcript NM_003494.4 (MANE Plus Clinical); coding-DNA position 1484, A replaced by C.
Protein change: p.Glu495Ala; replaces glutamic acid 495 with alanine.
Molecular consequence: missense variant. On other transcripts: intron variant (8).
Genome position (GRCh38, 1-based): chr2:71,549,353, A>C. VCF-style: chr2-71549353-A-C. GRCh37 (hg19) VCF-style: chr2-71776483-A-C.
Other names: c.1487A>C, p.Glu496Ala (NM_001130455.2, NM_001130983.2); c.1484A>C, p.Glu495Ala (NM_001130978.2); c.1577A>C, p.Glu526Ala (NM_001130979.2); c.1580A>C, p.Glu527Ala (NM_001130982.2); c.1574-1688A>C (NM_001130981.2, NM_001130980.2); c.1481-1688A>C (NM_001130977.2, NM_001130976.2); c.1577-1688A>C (NM_001130987.2, NM_001130985.2); c.1484-1688A>C (NM_001130984.2, NM_001130986.2); short protein forms E495A, E527A, E496A, E526A.
Identifiers: ClinVar variation 2056175 (VCV002056175.1), dbSNP rs1326497432, ClinGen allele CA347217199.